The following is an entry in ClinVar:

ClinVar aggregate classification (germline): Uncertain significance (0 of 4 stars; one submission).

Conditions:
PCNT-related disorder. Also called: PCNT-related condition.

gnomAD v4.1: 1 of 1,613,016 alleles (0.000062%); highest among the groups gnomAD compares: East Asian, 0.0022%; no homozygotes.

Submission:

PreventionGenetics, part of Exact Sciences
Classification: Uncertain significance for PCNT-related condition. Last evaluated: 2024-03-07. Review status: no assertion criteria provided. Collection method: clinical testing. Allele origin: germline.
Comment: The PCNT c.5345G>A variant is predicted to result in the amino acid substitution p.Gly1782Asp. To our knowledge, this variant has not been reported in the literature. This variant is reported in 0.0055% of alleles in individuals of East Asian descent in gnomAD. At this time, the clinical significance of this variant is uncertain due to the absence of conclusive functional and genetic evidence.

NM_006031.6(PCNT):c.5345G>A (p.Gly1782Asp)

Gene: PCNT (pericentrin; plus strand). Cytogenetic location: 21q22.3.
Variant type: single nucleotide variant.
Coding change: c.5345G>A on transcript NM_006031.6 (MANE Select); coding-DNA position 5345, G replaced by A.
Protein change: p.Gly1782Asp; replaces glycine 1782 with aspartic acid.
Molecular consequence: missense variant.
Genome position (GRCh38, 1-based): chr21:46,411,418, G>A. VCF-style: chr21-46411418-G-A. GRCh37 (hg19) VCF-style: chr21-47831332-G-A.
Other names: c.4991G>A, p.Gly1664Asp (NM_001315529.2); short protein forms G1664D, G1782D.
Identifiers: ClinVar variation 3352741 (VCV003352741.1).
Genomic context (GRCh38, chr21:46,411,418, plus strand): 5'-AAGTCAGCGACAGTCAGGCTGGCAGTCTGCAGAGCGAGCTGCTCTGCTCCCAGGCCGGGG[G>A]CCCTCGTGGGCAGGCCCTACAGGGCGAGCTCGAGGCTGCGCTGGAAGCCAAGGAGGCCCT-3'
Protein context (NP_006022.3, residues 1772-1792): QSELLCSQAG[Gly1782Asp]PRGQALQGEL